The following is an entry in ClinVar:

ClinVar aggregate classification (germline): Likely pathogenic (1 of 4 stars; one submission).

Conditions:
Metachromatic leukodystrophy (MLD). Also called: Cerebral sclerosis diffuse metachromatic form; Arylsulfatase A Deficiency; ARSA DEFICIENCY; CEREBROSIDE SULFATASE DEFICIENCY; METACHROMATIC LEUKOENCEPHALOPATHY; SULFATIDE LIPIDOSIS. Identifiers: Orphanet 512, MedGen C0023522, MONDO:0018868, OMIM 250100.

Submission:

Labcorp Genetics (formerly Invitae), Labcorp
Classification: Likely pathogenic for Metachromatic leukodystrophy. Last evaluated: 2023-09-14. Review status: criteria provided, single submitter. Criteria: Invitae Variant Classification Sherloc (09022015). Collection method: clinical testing. Allele origin: germline.
Comment: In summary, the currently available evidence indicates that the variant is pathogenic, but additional data are needed to prove that conclusively. Therefore, this variant has been classified as Likely Pathogenic. This variant disrupts the p.Ser45 amino acid residue in ARSA. Other variant(s) that disrupt this residue have been determined to be pathogenic (PMID: 12809637). This suggests that this residue is clinically significant, and that variants that disrupt this residue are likely to be disease-causing. Advanced modeling of protein sequence and biophysical properties (such as structural, functional, and spatial information, amino acid conservation, physicochemical variation, residue mobility, and thermodynamic stability) performed at Invitae indicates that this missense variant is expected to disrupt ARSA protein function. This variant has not been reported in the literature in individuals affected with ARSA-related conditions. This variant is not present in population databases (gnomAD no frequency). This sequence change replaces serine, which is neutral and polar, with glycine, which is neutral and non-polar, at codon 45 of the ARSA protein (p.Ser45Gly).

Literature cited by the submitters: PubMed 12809637.

NM_000487.6(ARSA):c.133A>G (p.Ser45Gly)

Gene: ARSA (arylsulfatase A; minus strand). Cytogenetic location: 22q13.33.
Variant type: single nucleotide variant.
Coding change: c.133A>G on transcript NM_000487.6 (MANE Select); coding-DNA position 133, A replaced by G.
Protein change: p.Ser45Gly; replaces serine 45 with glycine.
Molecular consequence: missense variant. On other transcripts: intron variant (2).
Genome position (GRCh38, 1-based): chr22:50,627,647, T>C on the plus strand (A>G on the coding strand, the complement: ARSA is on the minus strand). VCF-style: chr22-50627647-T-C. GRCh37 (hg19) VCF-style: chr22-51066075-T-C.
Other names: c.133A>G, p.Ser45Gly (NM_001085425.3, NM_001085426.3, NM_001085427.3); c.-34-241A>G (NM_001362782.2, NM_001085428.3); short protein forms S45G.
Identifiers: ClinVar variation 2990837 (VCV002990837.3), dbSNP rs2518336818, ClinGen allele CA412182794.
Genomic context (GRCh38, chr22:50,627,647, plus strand): 5'-AGAAGTCTGTGAACCGCAGCCCTCCCGCCGCCAGCTGGTCCAGGTTGGGAGTGGTAGAGC[T>C]GGGGTGCCCATAGCAGCCCAGGTCCCCATAGCCGAGGTCGTCGGCAAAGATCAGCACGAT-3'
Protein context (NP_000478.3, residues 35-55): YGDLGCYGHP[Ser45Gly]STTPNLDQLA